The following is an entry in ClinVar:

NM_003816.3(ADAM9):c.2240C>T (p.Ser747Phe)

Gene: ADAM9 (ADAM metallopeptidase domain 9; plus strand). Cytogenetic location: 8p11.22.
Variant type: single nucleotide variant.
Coding change: c.2240C>T on transcript NM_003816.3 (MANE Select); coding-DNA position 2240, C replaced by T.
Protein change: p.Ser747Phe; replaces serine 747 with phenylalanine.
Molecular consequence: missense variant. On other transcripts: non-coding transcript variant (3).
Genome position (GRCh38, 1-based): chr8:39,091,288, C>T. VCF-style: chr8-39091288-C-T. GRCh37 (hg19) VCF-style: chr8-38948807-C-T.
Other names: short protein forms S747F.
Identifiers: ClinVar variation 2002760 (VCV002002760.3), dbSNP rs2536393387, ClinGen allele CA370750018.

ClinVar aggregate classification (germline): Uncertain significance (1 of 4 stars; one submission).

Submission:

Labcorp Genetics (formerly Invitae), Labcorp
Classification: Uncertain significance. Last evaluated: 2022-06-08. Review status: criteria provided, single submitter. Criteria: Invitae Variant Classification Sherloc (09022015). Collection method: clinical testing. Allele origin: germline.
Comment: In summary, the available evidence is currently insufficient to determine the role of this variant in disease. Therefore, it has been classified as a Variant of Uncertain Significance. Algorithms developed to predict the effect of missense changes on protein structure and function are either unavailable or do not agree on the potential impact of this missense change (SIFT: "Deleterious"; PolyPhen-2: "Benign"; Align-GVGD: "Class C0"). This variant has not been reported in the literature in individuals affected with ADAM9-related conditions. This variant is not present in population databases (gnomAD no frequency). This sequence change replaces serine, which is neutral and polar, with phenylalanine, which is neutral and non-polar, at codon 747 of the ADAM9 protein (p.Ser747Phe).